The following is an entry in ClinVar:

ClinVar aggregate classification (germline): Pathogenic (1 of 4 stars; one submission).

Conditions:
3-methylglutaconic aciduria type 1 (MGCA1). Identifiers: Orphanet 67046, MedGen C0342727, MONDO:0009610, OMIM 250950.

Submission:

Labcorp Genetics (formerly Invitae), Labcorp
Classification: Pathogenic for 3-methylglutaconic aciduria type 1. Last evaluated: 2022-02-06. Review status: criteria provided, single submitter. Criteria: Invitae Variant Classification Sherloc (09022015). Collection method: clinical testing. Allele origin: germline.
Comment: For these reasons, this variant has been classified as Pathogenic. This variant has not been reported in the literature in individuals affected with AUH-related conditions. This variant is a gross deletion of the genomic region encompassing exon(s) 7 of the AUH gene. This deletion is out-of-frame, and is expected to create a premature termination codon and result in an absent or disrupted protein product. Loss-of-function variants in AUH are known to be pathogenic (PMID: 12655555, 20882351).

Literature cited by the submitters: PubMed 12655555; PubMed 20882351.

NC_000009.12:g.(?_91220785)_(91221012_?)del

Gene: AUH (AU RNA binding methylglutaconyl-CoA hydratase; minus strand). Cytogenetic location: 9q22.31.
Variant type: Deletion.
Identifiers: ClinVar variation 831476 (VCV000831476.4).